The following is an entry in ClinVar:

ClinVar aggregate classification (germline): Pathogenic/Likely pathogenic. Review status: criteria provided, multiple submitters, no conflicts (2 of 4 stars). 4 submissions from 4 submitters: Pathogenic (1); Likely pathogenic (3). Last evaluated 2025-09-19.

Conditions:
Leber congenital amaurosis (LCA). Also called: Leber's amaurosis. Identifiers: Orphanet 65, MedGen C0339527, MeSH D057130, MONDO:0018998.
CEP290-related disorder. Also called: CEP290-related condition; CEP290-related disorders. Identifiers: MedGen CN239314.

Submissions (4):

PreventionGenetics, part of Exact Sciences
Classification: Likely pathogenic for CEP290-related condition. Last evaluated: 2025-09-19. Review status: criteria provided, single submitter. Criteria: ACMG Guidelines, 2015. Collection method: clinical testing. Allele origin: germline.
Comment: The CEP290 c.4207delA variant is predicted to result in a frameshift and premature protein termination (p.Arg1403Aspfs*16). To our knowledge, this variant has not been reported in the literature. This variant is absent in a large population database (gnomAD), indicating this variant is rare. Frameshift variants in CEP290 are an established mechanism of disease. This variant is interpreted as likely pathogenic.

Natera, Inc.
Classification: Likely pathogenic for Leber congenital amaurosis. Last evaluated: 2024-11-03. Review status: criteria provided, single submitter. Criteria: Natera Variant Classification Schema (03/2026). Collection method: clinical testing. Allele origin: germline.
Comment: The c.4207del variant in CEP290 is a frameshift variant predicted to shift the reading frame beginning at codon 1403 and leads to a stop codon 16 codons downstream. This variant is expected to result in nonsense mediated decay, truncation, or a dysfunctional protein product. This variant is rare in the general population with a frequency below the threshold expected for the associated phenotype(s). Given the available evidence, this variant is classified as Likely Pathogenic.

Blueprint Genetics
Classification: Likely pathogenic for CEP290-related disorders. Last evaluated: 2023-08-23. Review status: criteria provided, single submitter. Criteria: ACMG Guidelines, 2015. Collection method: clinical testing. Allele origin: germline. Affected: yes. Observed: 5 variant alleles.

CeGaT Center for Human Genetics Tuebingen
Classification: Pathogenic. Last evaluated: 2018-05-01. Review status: criteria provided, single submitter. Criteria: CeGaT Center For Human Genetics Tuebingen Variant Classification Criteria Version 2. Collection method: clinical testing. Allele origin: germline. Affected: yes. Observed: 1 variant allele.

NM_025114.4(CEP290):c.4207del (p.Arg1403fs)

Gene: CEP290 (centrosomal protein 290; minus strand). Cytogenetic location: 12q21.32.
Variant type: Deletion.
Coding change: c.4207del on transcript NM_025114.4 (MANE Select); coding-DNA position 4207, one base deleted (A; older notation c.4207delA).
Protein change: p.Arg1403fs; shifts the reading frame from arginine 1403.
Molecular consequence: frameshift variant.
Genome position (GRCh38, 1-based): chr12:88,086,486, T deleted on the plus strand (A on the coding strand, the reverse complement: CEP290 is on the minus strand); the first of 3 consecutive T bases (chr12:88,086,486-88,086,488); deleting any one gives the same sequence. VCF-style (leftmost placement, unchanged base first): chr12-88086485-CT-C. GRCh37 (hg19) VCF-style: chr12-88480262-CT-C.
Other names: c.4207del (NM_025114.3); c.4207delA (NM_025114.3); short protein forms R1403fs.
Identifiers: ClinVar variation 871060 (VCV000871060.44), dbSNP rs2036582730, ClinGen allele CA1139662800.